The following is an entry in ClinVar:

NM_005465.7(AKT3):c.224G>A (p.Arg75Lys)

Gene: AKT3 (AKT serine/threonine kinase 3; minus strand). Cytogenetic location: 1q44.
Variant type: single nucleotide variant.
Coding change: c.224G>A on transcript NM_005465.7 (MANE Select); coding-DNA position 224, G replaced by A.
Protein change: p.Arg75Lys; replaces arginine 75 with lysine.
Molecular consequence: missense variant.
Genome position (GRCh38, 1-based): chr1:243,664,832, C>T on the plus strand (G>A on the coding strand, the complement: AKT3 is on the minus strand). VCF-style: chr1-243664832-C-T. GRCh37 (hg19) VCF-style: chr1-243828134-C-T.
Other names: c.224G>A, p.Arg75Lys (NM_001206729.2, NM_001370074.1, NM_181690.2); short protein forms R75K.
Identifiers: ClinVar variation 475213 (VCV000475213.8), dbSNP rs1553428545, ClinGen allele CA345669292.

ClinVar aggregate classification (germline): Uncertain significance (1 of 4 stars; one submission).

Conditions:
Megalencephaly-polymicrogyria-polydactyly-hydrocephalus syndrome 2 (MPPH2). Also called: MEGALENCEPHALY-POLYMICROGYRIA-POLYDACTYLY-HYDROCEPHALUS SYNDROME 2, SOMATIC. Identifiers: Orphanet 83473, MedGen C4014738, MONDO:0014407, OMIM 615937.

Submission:

Labcorp Genetics (formerly Invitae), Labcorp
Classification: Uncertain significance for Megalencephaly-polymicrogyria-polydactyly-hydrocephalus syndrome 2. Last evaluated: 2025-01-31. Review status: criteria provided, single submitter. Criteria: Invitae Variant Classification Sherloc (09022015). Collection method: clinical testing. Allele origin: germline.
Comment: This sequence change replaces arginine, which is basic and polar, with lysine, which is basic and polar, at codon 75 of the AKT3 protein (p.Arg75Lys). This variant is not present in population databases (gnomAD no frequency). This missense change has been observed in individual(s) with clinical features of AKT3-related conditions (internal data). ClinVar contains an entry for this variant (Variation ID: 475213). An algorithm developed to predict the effect of missense changes on protein structure and function (PolyPhen-2) suggests that this variant is likely to be tolerated. In summary, the available evidence is currently insufficient to determine the role of this variant in disease. Therefore, it has been classified as a Variant of Uncertain Significance.